The following is an entry in ClinVar:

ClinVar aggregate classification (germline): Uncertain significance. Review status: reviewed by expert panel (3 of 4 stars). 10 submissions from 10 submitters: Uncertain significance (1). 9 of the submissions do not count toward it. Last evaluated 2025-05-02.

Conditions:
Hereditary factor IX deficiency disease (HEMB). Also called: Christmas Disease; F9 DEFICIENCY; FACTOR IX DEFICIENCY; PLASMA THROMBOPLASTIN COMPONENT DEFICIENCY; Hemophilia B. Identifiers: Orphanet 98879, MedGen C0008533, MeSH D002836, MONDO:0010604, OMIM 306900.
Thrombophilia, X-linked, due to factor 9 defect. Identifiers: MedGen C2749016, MONDO:0010432, OMIM 300807.
F9-related disorder. Also called: F9-related condition.
Warfarin sensitivity, X-linked. Also called: COUMARIN SENSITIVITY, X-LINKED. Identifiers: MedGen C5393318, OMIM 301052, MONDO:0026768.
Hereditary factor VIII deficiency disease (HEMA). Also called: AUTOSOMAL HEMOPHILIA A; Hemophilia A; HEMOPHILIA, CLASSIC; Hemophilia A, congenital; HEM A; Factor 8 deficiency, congenital. Identifiers: Orphanet 98878, MedGen C0019069, MONDO:0010602, OMIM 306700.

Allele frequency attached by ClinVar (database versions not stated): ExAC 0.00002; gnomAD exomes 0.00003 and 0.00016; gnomAD 0.00008 and 0.00009; TOPMed 0.00008.
gnomAD v4.1: 176 of 1,208,780 alleles (0.015%); highest among the groups gnomAD compares: Non-Finnish European, 0.019%; no homozygotes.

Submissions 1 to 8 of 10:

ClinGen Coagulation Factor Deficiency Variant Curation Expert Panel, Clingen
Classification: Uncertain significance for Hereditary factor IX deficiency disease. Last evaluated: 2025-05-02. Review status: reviewed by expert panel. Criteria: ClinGen CoagFactor ACMG Specifications F9 V1.0.0. Collection method: curation. Allele origin: germline.
Comment: The c.1345C>T (p.Arg449Trp) variant is reported at a frequency of 0.00006494 (6/92396 non-Finnish European alleles) with 4 hemizygotes in gnomAD v2.1.1, which is greater than the threshold for BA1, 0.0000556 (0.00556%). There are at least 7 published cases in the literature with this variant and very mild hemophilia B that would meet the PS4/PP4 codes (PMID: 29296726, 10739381, 8680410, 18479429, 10094553). There are also more unpublished cases listed in the EAHAD Database. Typically, the PS4 and PP4 codes would not be applied when criteria for BA1 is met, but an exception was made to consider this case data for this variant given the number of known cases is higher than the number of hemizygotes in gnomAD, who could reasonably have very mild hemophilia B. Additionally, there is case control data showing OR = 1.89, P = .04 for increased bleeding in individuals with this variant (PMID: 37647632). In summary, this variant meets criteria to be classified as variant of uncertain significance. ACMG/AMP criteria applied, as specified by the Coagulation Factor Deficiency Variant Curation Expert Panel for F9 (Released 10/5/2023): BA1, PS4, PP4_Moderate.

PreventionGenetics, part of Exact Sciences
Classification: Uncertain significance for F9-related condition. Last evaluated: 2026-09-22. Review status: criteria provided, single submitter. Criteria: ACMG Guidelines, 2015. Collection method: clinical testing. Allele origin: germline. Not counted in ClinVar's aggregate classification.
Comment: The F9 c.1345C>T variant is predicted to result in the amino acid substitution p.Arg449Trp. This variant, alternatively described as "C31328T" and "Arg403Trp" using legacy nomenclature, has been reported to cause mild to very mild hemophilia B (~13-41% clotting activity) in multiple individuals (Montejo et al. 1999. PubMed ID: 10094553; Jenkins et al. 2008. PubMed ID: 18479429; Chavali et al. 2009. PubMed ID: 19699296; Johnsen et al. 2022. PubMed ID: 35770352). This variant has been reported in 8 out of 204,623 alleles in the gnomAD v2 database, including 4 hemizygous individuals. In addition, in gnomAD v4, this variant is reported in 176 out of 1,208,780 alleles, including 61 hemizygotes. This population data is not consistent with this variant being a primary cause of severe hemophilia. This variant is interpreted as a variant of uncertain significance by the ClinGen Coagulation Factor Deficiency Variant Curation Expert Panel in ClinVar (ClinVar ID: 626990). Although we suspect that this variant may be pathogenic, at this time, the clinical significance of this variant is uncertain due to the absence of conclusive functional and genetic evidence.

Women's Health and Genetics/Laboratory Corporation of America, LabCorp
Classification: Uncertain significance. Last evaluated: 2026-03-04. Review status: criteria provided, single submitter. Criteria: LabCorp Variant Classification Summary - May 2015. Collection method: clinical testing. Allele origin: germline. Not counted in ClinVar's aggregate classification.
Comment: Variant summary: F9 c.1345C>T (p.Arg449Trp) results in a non-conservative amino acid change of the encoded protein sequence. Algorithms developed to predict the effect of missense changes on protein structure and function are either unavailable or do not agree on the potential impact of this missense change. The variant allele was found at a frequency of 0.00015 in 1208780 control chromosomes, predominantly at a frequency of 0.00019 in the Non-Finnish European subpopulation, including 61 hemizygotes. While this does not exceed internal thresholds for F9-related conditions, other groups have reported a cutoff of 0.0000556 (ClinGen Coagulation Factor Deficiency Variant Curation Expert Panel), which could indicate this variant may be found at a frequency in control populations higher than expected for haemophilia B. c.1345C>T has been reported in the literature as detected among cohorts of patients with mild Haemophilia B in the Haemophilia B database, with clotting activity ranging from 13-41% (Giannelli_1994, Wulff_1995, Montejo_1999, Jenkins_2008, Chavali_2009, Hamasaki-Katagiri_2012, Johnsen_2022), however to our knowledge no strong segregation evidence has been presented. In the UK Biobank, this variant was associated with an odds ratio of 1.89 for bleeding risk, however statistical metrics were unconvincing (example, Stefanucci_2023). These data indicate that the variant is possibly associated with disease, though penetrance and/or severity may be low. To our knowledge, no experimental evidence demonstrating an impact on protein function has been reported. The following publications have been ascertained in the context of this evaluation (PMID: 27734074, 19699296, 7937052, 22639855, 18479429, 35770352, 10094553, 8680410, 37647632). ClinVar contains an entry for this variant (Variation ID: 626990). Based on the evidence outlined above, the variant was classified as VUS-possibly pathogenic.

Mendelics
Classification: Uncertain significance for Thrombophilia, X-linked, due to factor 9 defect. Last evaluated: 2026-02-13. Review status: criteria provided, single submitter. Criteria: Mendelics Assertion Criteria 2019. Collection method: clinical testing. Allele origin: germline. Not counted in ClinVar's aggregate classification.
Comment: Variant NM_000133.4(F9):c.1345C>T (p.Arg449Trp) has gnomAD 4.1.0 frequency of 0.0001456 with 61 homozygotes. According to ACMG criteria and given that the variant is known in the literature (cf. other submitters comments, e.g., PMID 29296726) interpretation has been updated to VUS.

Natera, Inc.
Classification: Likely pathogenic for Hemophilia B. Last evaluated: 2026-01-16. Review status: criteria provided, single submitter. Criteria: Natera Variant Classification Schema (03/2026). Collection method: clinical testing. Allele origin: germline. Not counted in ClinVar's aggregate classification.
Comment: The c.1345C>T variant in F9 is a missense variant predicted to cause substitution of arginine to tryptophan at amino acid 449. This variant is rare in the general population with a frequency below the threshold expected for the associated phenotype(s). This variant has been observed in affected individual(s) with monoallelic occurrence (heterozygous/hemizygous) (PMID: 10094553, 39875687, 18479429, 8680410). Computational prediction algorithms indicate this variant is likely to affect gene or protein function. Given the available evidence, this variant is classified as Likely Pathogenic.

Labcorp Genetics (formerly Invitae), Labcorp
Classification: Likely pathogenic for Thrombophilia, X-linked, due to factor 9 defect; Hereditary factor IX deficiency disease. Last evaluated: 2025-09-05. Review status: criteria provided, single submitter. Criteria: Invitae Variant Classification Sherloc (09022015). Collection method: clinical testing. Allele origin: germline. Not counted in ClinVar's aggregate classification.
Comment: This sequence change replaces arginine, which is basic and polar, with tryptophan, which is neutral and slightly polar, at codon 449 of the F9 protein (p.Arg449Trp). This variant is present in population databases (rs757996262, gnomAD 0.007%). This missense change has been observed in individuals with clinical features of F9-related conditions (PMID: 7937052, 8680410, 19699296, 22639855). This variant is also known as 31328C>T (Arg403Trp). ClinVar contains an entry for this variant (Variation ID: 626990). Invitae Evidence Modeling of protein sequence and biophysical properties (such as structural, functional, and spatial information, amino acid conservation, physicochemical variation, residue mobility, and thermodynamic stability) has been performed for this missense variant. However, the output from this modeling did not meet the statistical confidence thresholds required to predict the impact of this variant on F9 protein function. In summary, the currently available evidence indicates that the variant is pathogenic, but additional data are needed to prove that conclusively. Therefore, this variant has been classified as Likely Pathogenic.

Fulgent Genetics
Classification: Pathogenic for Thrombophilia, X-linked, due to factor 9 defect; Warfarin sensitivity, X-linked; Hereditary factor IX deficiency disease. Last evaluated: 2024-03-15. Review status: criteria provided, single submitter. Criteria: ACMG Guidelines, 2015. Collection method: clinical testing. Allele origin: germline. Not counted in ClinVar's aggregate classification.

HudsonAlpha Institute for Biotechnology
Classification: Uncertain significance for Hereditary factor IX deficiency disease. Last evaluated: 2020-05-15. Review status: criteria provided, single submitter. Criteria: ACMG Guidelines, 2015. Collection method: research. Allele origin: maternal. Observed: 1 variant allele. Study: HudsonAlpha-AGHI-WGS. Not counted in ClinVar's aggregate classification.
Comment: ACMG codes:PP5

NM_000133.4(F9):c.1345C>T (p.Arg449Trp)

Gene: F9 (coagulation factor IX; plus strand). Cytogenetic location: Xq27.1.
Variant type: single nucleotide variant.
Coding change: c.1345C>T on transcript NM_000133.4 (MANE Select); coding-DNA position 1345, C replaced by T.
Protein change: p.Arg449Trp; replaces arginine 449 with tryptophan.
Molecular consequence: missense variant.
Genome position (GRCh38, 1-based): chrX:139,562,030, C>T. VCF-style: chrX-139562030-C-T. GRCh37 (hg19) VCF-style: chrX-138644189-C-T.
Other names: NM_000133.4(F9):c.1345C>T; p.Arg449Trp; c.1231C>T, p.Arg411Trp (NM_001313913.2); short protein forms R449W, R411W.
Identifiers: ClinVar variation 626990 (VCV000626990.27), dbSNP rs757996262, ClinGen allele CA10529890.